The following is an entry in ClinVar:

ClinVar aggregate classification (germline): Uncertain significance (1 of 4 stars; one submission).

Submission:

Labcorp Genetics (formerly Invitae), Labcorp
Classification: Uncertain significance. Last evaluated: 2022-06-13. Review status: criteria provided, single submitter. Criteria: Invitae Variant Classification Sherloc (09022015). Collection method: clinical testing. Allele origin: germline.
Comment: This variant has not been reported in the literature in individuals affected with ITGA3-related conditions. This variant is not present in population databases (gnomAD no frequency). This sequence change replaces glycine, which is neutral and non-polar, with alanine, which is neutral and non-polar, at codon 26 of the ITGA3 protein (p.Gly26Ala). Algorithms developed to predict the effect of missense changes on protein structure and function are either unavailable or do not agree on the potential impact of this missense change (SIFT: "Tolerated"; PolyPhen-2: "Not Available"; Align-GVGD: "Class C0"). In summary, the available evidence is currently insufficient to determine the role of this variant in disease. Therefore, it has been classified as a Variant of Uncertain Significance.

NM_002204.4(ITGA3):c.77G>C (p.Gly26Ala)

Gene: ITGA3 (integrin subunit alpha 3; plus strand). Cytogenetic location: 17q21.33.
Variant type: single nucleotide variant.
Coding change: c.77G>C on transcript NM_002204.4 (MANE Select); coding-DNA position 77, G replaced by C.
Protein change: p.Gly26Ala; replaces glycine 26 with alanine.
Molecular consequence: missense variant.
Genome position (GRCh38, 1-based): chr17:50,056,516, G>C. VCF-style: chr17-50056516-G-C. GRCh37 (hg19) VCF-style: chr17-48133880-G-C.
Other names: short protein forms G26A.
Identifiers: ClinVar variation 2005508 (VCV002005508.4), dbSNP rs1368499306, ClinGen allele CA400170294.